The following is an entry in ClinVar:

NM_015331.3(NCSTN):c.398G>A (p.Gly133Asp)

Gene: NCSTN (nicastrin; plus strand). Cytogenetic location: 1q23.2.
Variant type: single nucleotide variant.
Coding change: c.398G>A on transcript NM_015331.3 (MANE Select); coding-DNA position 398, G replaced by A.
Protein change: p.Gly133Asp; replaces glycine 133 with aspartic acid.
Molecular consequence: missense variant.
Genome position (GRCh38, 1-based): chr1:160,349,632, G>A. VCF-style: chr1-160349632-G-A. GRCh37 (hg19) VCF-style: chr1-160319422-G-A.
Other names: c.338G>A, p.Gly113Asp (NM_001290184.2); c.398G>A, p.Gly133Asp (NM_001290186.2, NM_001349729.2); short protein forms G113D, G133D.
Identifiers: ClinVar variation 4742401 (VCV004742401.1).

ClinVar aggregate classification (germline): Uncertain significance (1 of 4 stars; one submission).

gnomAD v4.1: 3 of 1,614,034 alleles (0.00019%); highest among the groups gnomAD compares: Non-Finnish European, 0.00025%; no homozygotes.

Submission:

Labcorp Genetics (formerly Invitae), Labcorp
Classification: Uncertain significance. Last evaluated: 2025-03-07. Review status: criteria provided, single submitter. Criteria: Invitae Variant Classification Sherloc (09022015). Collection method: clinical testing. Allele origin: germline.
Comment: This sequence change replaces glycine, which is neutral and non-polar, with aspartic acid, which is acidic and polar, at codon 133 of the NCSTN protein (p.Gly133Asp). This variant is not present in population databases (gnomAD no frequency). This variant has not been reported in the literature in individuals affected with NCSTN-related conditions. Invitae Evidence Modeling of protein sequence and biophysical properties (such as structural, functional, and spatial information, amino acid conservation, physicochemical variation, residue mobility, and thermodynamic stability) has been performed for this missense variant. However, the output from this modeling did not meet the statistical confidence thresholds required to predict the impact of this variant on NCSTN protein function. In summary, the available evidence is currently insufficient to determine the role of this variant in disease. Therefore, it has been classified as a Variant of Uncertain Significance.